The following is an entry in ClinVar:

ClinVar aggregate classification (germline): Uncertain significance (1 of 4 stars; one submission).

Conditions:
Epileptic encephalopathy. Identifiers: MedGen C0543888, HP:0200134.

Allele frequency attached by ClinVar (database versions not stated): gnomAD exomes below 0.00001.
gnomAD v4.1: 1 of 1,613,840 alleles (0.000062%); highest among the groups gnomAD compares: Non-Finnish European, 0.000085%; no homozygotes.

Submission:

Labcorp Genetics (formerly Invitae), Labcorp
Classification: Uncertain significance for Epileptic encephalopathy. Last evaluated: 2020-02-04. Review status: criteria provided, single submitter. Criteria: Invitae Variant Classification Sherloc (09022015). Collection method: clinical testing. Allele origin: germline.
Comment: In summary, the available evidence is currently insufficient to determine the role of this variant in disease. Therefore, it has been classified as a Variant of Uncertain Significance. Algorithms developed to predict the effect of missense changes on protein structure and function (SIFT, PolyPhen-2, Align-GVGD) all suggest that this variant is likely to be tolerated, but these predictions have not been confirmed by published functional studies and their clinical significance is uncertain. This variant has not been reported in the literature in individuals with RYR3-related conditions. This variant is not present in population databases (ExAC no frequency). This sequence change replaces alanine with threonine at codon 4594 of the RYR3 protein (p.Ala4594Thr). The alanine residue is moderately conserved and there is a small physicochemical difference between alanine and threonine.

NM_001036.6(RYR3):c.13780G>A (p.Ala4594Thr)

Genes: RYR3 (ryanodine receptor 3; plus strand), AVEN (apoptosis and caspase activation inhibitor; minus strand), LOC126862094 (CDK7 strongly-dependent group 2 enhancer GRCh37_chr15:34145183-34146382; plus strand). Cytogenetic location: 15q14.
Variant type: single nucleotide variant.
Coding change: c.13780G>A on transcript NM_001036.6 (MANE Select); coding-DNA position 13780, G replaced by A.
Protein change: p.Ala4594Thr; replaces alanine 4594 with threonine.
Molecular consequence: missense variant.
Genome position (GRCh38, 1-based): chr15:33,853,663, G>A. VCF-style: chr15-33853663-G-A. GRCh37 (hg19) VCF-style: chr15-34145864-G-A.
Other names: c.13765G>A, p.Ala4589Thr (NM_001243996.4); short protein forms A4594T, A4589T.
Identifiers: ClinVar variation 1043493 (VCV001043493.10), dbSNP rs2079338485, ClinGen allele CA391600457.